The following is an entry in ClinVar:

NM_005689.4(ABCB6):c.826C>T (p.Arg276Trp)

Gene: ABCB6 (ATP binding cassette subfamily B member 6 (LAN blood group); minus strand). Cytogenetic location: 2q35.
Variant type: single nucleotide variant.
Coding change: c.826C>T on transcript NM_005689.4 (MANE Select); coding-DNA position 826, C replaced by T.
Protein change: p.Arg276Trp; replaces arginine 276 with tryptophan.
Molecular consequence: missense variant.
Genome position (GRCh38, 1-based): chr2:219,216,694, G>A on the plus strand (C>T on the coding strand, the complement: ABCB6 is on the minus strand). VCF-style: chr2-219216694-G-A. GRCh37 (hg19) VCF-style: chr2-220081416-G-A.
Other names: c.688C>T, p.Arg230Trp (NM_001349828.2); short protein forms R276W, R230W.
Identifiers: ClinVar variation 235291 (VCV000235291.43), dbSNP rs57467915, ClinGen allele CA2119636.

ClinVar aggregate classification (germline): Benign/Likely benign. Review status: criteria provided, multiple submitters, no conflicts (2 of 4 stars). 9 submissions from 6 submitters: Benign (8); Likely benign (1). Last evaluated 2026-08-01.

Conditions:
Hereditary coproporphyria (HCP). Also called: Hereditary coproporphyria porphyria; Porphyria hepatica coproporphyria; Porphyria hepatica II; CPRO deficiency; COPROPORPHYRINOGEN OXIDASE DEFICIENCY; CPO DEFICIENCY. Identifiers: Orphanet 79273, MedGen C0162531, MONDO:0007369, OMIM 121300.
Variegate porphyria (VP). Also called: PORPHYRIA, SOUTH AFRICAN TYPE; PROTOPORPHYRINOGEN OXIDASE DEFICIENCY; PPOX DEFICIENCY. Identifiers: Orphanet 79473, MedGen C0162532, MONDO:0008297, OMIM 176200.
Acute intermittent porphyria (AIP). Also called: Acute Intermittent Porphyria (AIP); Acute Porphyria; HMBS deficiency; Hydroxymethylbilane Synthase Deficiency; Acute intermittent porphyria (autosomal dominant); PBGD DEFICIENCY. Identifiers: Orphanet 79276, MedGen C0162565, MONDO:0008294, OMIM 176000.
Protoporphyria, erythropoietic, 1 (EPP1). Also called: FERROCHELATASE DEFICIENCY; HEME SYNTHETASE DEFICIENCY; Erythropoietic Protoporphyria, Autosomal Recessive. Identifiers: Orphanet 79278, MedGen C4692546, MONDO:0008319, OMIM 177000.

Allele frequency attached by ClinVar (database versions not stated): 1000 Genomes Project 30x 0.00359; 1000 Genomes Project 0.00379; TOPMed 0.00765; gnomAD exomes 0.00878 and 0.01265; gnomAD 0.00936 and 0.00979; ESP Exome Variant Server 0.01008; ExAC 0.01895.
gnomAD v4.1: 19,392 of 1,585,890 alleles (1.2%); highest among the groups gnomAD compares: Non-Finnish European, 1.4%; 164 homozygotes.

Submissions (9):

CeGaT Center for Human Genetics Tuebingen
Classification: Benign. Last evaluated: 2026-08-01. Review status: criteria provided, single submitter. Criteria: CeGaT Center For Human Genetics Tuebingen Variant Classification Criteria Version 2. Collection method: clinical testing. Allele origin: germline. Affected: yes. Observed: 9 variant alleles.
Comment: ABCB6: BS1, BS2

Labcorp Genetics (formerly Invitae), Labcorp
Classification: Benign. Last evaluated: 2026-01-03. Review status: criteria provided, single submitter. Criteria: Invitae Variant Classification Sherloc (09022015). Collection method: clinical testing. Allele origin: germline.

Blueprint Genetics
Classification: Likely benign. Last evaluated: 2024-11-26. Review status: criteria provided, single submitter. Criteria: ACMG Guidelines, 2015. Collection method: clinical testing. Allele origin: germline.

Phillips Lab,  Hematology, University of Utah
Classification: Benign for Acute intermittent porphyria. Last evaluated: 2021-08-16. Review status: criteria provided, single submitter. Criteria: Submitter’s Publication. Collection method: clinical testing. Allele origin: unknown. Affected: yes.

Phillips Lab,  Hematology, University of Utah
Classification: Benign for Variegate porphyria. Last evaluated: 2021-08-16. Review status: criteria provided, single submitter. Criteria: Submitter’s Publication. Collection method: clinical testing. Allele origin: unknown. Affected: yes.

Phillips Lab,  Hematology, University of Utah
Classification: Benign for Hereditary coproporphyria. Last evaluated: 2021-08-16. Review status: criteria provided, single submitter. Criteria: Submitter’s Publication. Collection method: clinical testing. Allele origin: unknown. Affected: yes.

Phillips Lab,  Hematology, University of Utah
Classification: Benign for Protoporphyria, erythropoietic, 1. Last evaluated: 2021-08-16. Review status: criteria provided, single submitter. Criteria: Submitter’s Publication. Collection method: clinical testing. Allele origin: unknown. Affected: yes.

Center for Pediatric Genomic Medicine, Children's Mercy Hospital and Clinics
Classification: Benign. Last evaluated: 2015-12-23. Review status: criteria provided, single submitter. Criteria: ACMG Guidelines, 2015. Collection method: clinical testing. Allele origin: germline.

Breakthrough Genomics
Classification: Benign. Review status: criteria provided, single submitter. Criteria: ACMG Guidelines, 2015. Collection method: not provided. Allele origin: germline. Inheritance: Autosomal dominant inheritance. Affected: yes.